The following is an entry in ClinVar:

ClinVar aggregate classification (germline): Uncertain significance (1 of 4 stars; one submission).

gnomAD v4.1: 5 of 1,614,142 alleles (0.00031%); highest among the groups gnomAD compares: African/African-American, 0.0027%; no homozygotes.

Submission:

Labcorp Genetics (formerly Invitae), Labcorp
Classification: Uncertain significance. Last evaluated: 2024-08-17. Review status: criteria provided, single submitter. Criteria: Invitae Variant Classification Sherloc (09022015). Collection method: clinical testing. Allele origin: germline.
Comment: This sequence change replaces arginine, which is basic and polar, with lysine, which is basic and polar, at codon 194 of the GUCA1B protein (p.Arg194Lys). This variant is present in population databases (no rsID available, gnomAD 0.007%). This variant has not been reported in the literature in individuals affected with GUCA1B-related conditions. An algorithm developed to predict the effect of missense changes on protein structure and function (PolyPhen-2) suggests that this variant is likely to be tolerated. In summary, the available evidence is currently insufficient to determine the role of this variant in disease. Therefore, it has been classified as a Variant of Uncertain Significance.

NM_002098.6(GUCA1B):c.581G>A (p.Arg194Lys)

Gene: GUCA1B (guanylate cyclase activator 1B; minus strand). Cytogenetic location: 6p21.1.
Variant type: single nucleotide variant.
Coding change: c.581G>A on transcript NM_002098.6 (MANE Select); coding-DNA position 581, G replaced by A.
Protein change: p.Arg194Lys; replaces arginine 194 with lysine.
Molecular consequence: missense variant.
Genome position (GRCh38, 1-based): chr6:42,184,837, C>T on the plus strand (G>A on the coding strand, the complement: GUCA1B is on the minus strand). VCF-style: chr6-42184837-C-T. GRCh37 (hg19) VCF-style: chr6-42152575-C-T.
Other names: short protein forms R194K.
Identifiers: ClinVar variation 3684873 (VCV003684873.2).